The following is an entry in ClinVar:

ClinVar aggregate classification (germline): Uncertain significance (1 of 4 stars; one submission).

Conditions:
Hypertrophic cardiomyopathy. Also called: HYPERTROPHIC MYOCARDIOPATHY. Identifiers: Orphanet 217569, MedGen C0007194, MeSH D002312, MONDO:0005045, HP:0001639.

Allele frequency attached by ClinVar (database versions not stated): ExAC below 0.00001; gnomAD exomes below 0.00001 and 0.00001; gnomAD 0.00001; TOPMed 0.00002.
gnomAD v4.1: 21 of 1,610,020 alleles (0.0013%); highest among the groups gnomAD compares: Non-Finnish European, 0.0018%; no homozygotes.

Submission:

Labcorp Genetics (formerly Invitae), Labcorp
Classification: Uncertain significance for Hypertrophic cardiomyopathy. Last evaluated: 2024-10-01. Review status: criteria provided, single submitter. Criteria: Invitae Variant Classification Sherloc (09022015). Collection method: clinical testing. Allele origin: germline.
Comment: This sequence change replaces tryptophan, which is neutral and slightly polar, with leucine, which is neutral and non-polar, at codon 460 of the MYOM1 protein (p.Trp460Leu). The frequency data for this variant in the population databases is considered unreliable, as metrics indicate poor data quality at this position in the gnomAD database. This variant has not been reported in the literature in individuals affected with MYOM1-related conditions. ClinVar contains an entry for this variant (Variation ID: 1024179). Invitae Evidence Modeling of protein sequence and biophysical properties (such as structural, functional, and spatial information, amino acid conservation, physicochemical variation, residue mobility, and thermodynamic stability) indicates that this missense variant is expected to disrupt MYOM1 protein function with a positive predictive value of 80%. In summary, the available evidence is currently insufficient to determine the role of this variant in disease. Therefore, it has been classified as a Variant of Uncertain Significance.

NM_003803.4(MYOM1):c.1379G>T (p.Trp460Leu)

Gene: MYOM1 (myomesin 1; minus strand). Cytogenetic location: 18p11.31.
Variant type: single nucleotide variant.
Coding change: c.1379G>T on transcript NM_003803.4 (MANE Select); coding-DNA position 1379, G replaced by T.
Protein change: p.Trp460Leu; replaces tryptophan 460 with leucine.
Molecular consequence: missense variant.
Genome position (GRCh38, 1-based): chr18:3,164,400, C>A on the plus strand (G>T on the coding strand, the complement: MYOM1 is on the minus strand). VCF-style: chr18-3164400-C-A. GRCh37 (hg19) VCF-style: chr18-3164398-C-A.
Other names: c.1379G>T, p.Trp460Leu (NM_019856.2); short protein forms W460L.
Identifiers: ClinVar variation 1024179 (VCV001024179.8), dbSNP rs770564336, ClinGen allele CA8874963.